The following is an entry in ClinVar:

NM_019066.5(MAGEL2):c.795A>G (p.Ala265=)

Gene: MAGEL2 (MAGE family member L2; minus strand). Cytogenetic location: 15q11.2.
Variant type: single nucleotide variant.
Coding change: c.795A>G on transcript NM_019066.5 (MANE Select); coding-DNA position 795, A replaced by G.
Protein change: p.Ala265=; no amino-acid change (alanine 265 retained).
Molecular consequence: synonymous variant.
Genome position (GRCh38, 1-based): chr15:23,646,948, T>C on the plus strand (A>G on the coding strand, the complement: MAGEL2 is on the minus strand). VCF-style: chr15-23646948-T-C. GRCh37 (hg19) VCF-style: chr15-23892095-T-C.
Identifiers: ClinVar variation 2834284 (VCV002834284.3), dbSNP rs2503983154, ClinGen allele CA2739278582.

ClinVar aggregate classification (germline): Uncertain significance (1 of 4 stars; one submission).

Submission:

Labcorp Genetics (formerly Invitae), Labcorp
Classification: Uncertain significance. Last evaluated: 2023-02-03. Review status: criteria provided, single submitter. Criteria: Invitae Variant Classification Sherloc (09022015). Collection method: clinical testing. Allele origin: germline.
Comment: This sequence change affects codon 265 of the MAGEL2 mRNA. It is a 'silent' change, meaning that it does not change the encoded amino acid sequence of the MAGEL2 protein. This variant is not present in population databases (gnomAD no frequency). This variant has not been reported in the literature in individuals affected with MAGEL2-related conditions. Experimental studies and prediction algorithms are not available or were not evaluated, and the effect of this variant on mRNA splicing is currently unknown. In summary, the available evidence is currently insufficient to determine the role of this variant in disease. Therefore, it has been classified as a Variant of Uncertain Significance.